The following is an entry in ClinVar:

NM_000443.4(ABCB4):c.3411G>C (p.Arg1137=)

Gene: ABCB4 (ATP binding cassette subfamily B member 4; minus strand). Cytogenetic location: 7q21.12.
Variant type: single nucleotide variant.
Coding change: c.3411G>C on transcript NM_000443.4 (MANE Select); coding-DNA position 3411, G replaced by C.
Protein change: p.Arg1137=; no amino-acid change (arginine 1137 retained).
Molecular consequence: synonymous variant.
Genome position (GRCh38, 1-based): chr7:87,406,363, C>G on the plus strand (G>C on the coding strand, the complement: ABCB4 is on the minus strand). VCF-style: chr7-87406363-C-G. GRCh37 (hg19) VCF-style: chr7-87035679-C-G.
Other names: c.3432G>C, p.Arg1144= (NM_018849.3); c.3270G>C, p.Arg1090= (NM_018850.3).
Identifiers: ClinVar variation 597154 (VCV000597154.14), dbSNP rs771437431, ClinGen allele CA4326772.
Genomic context (GRCh38, chr7:87,406,363, plus strand): 5'-GATGAAAGGATGTATGTTGGCAGCTTTGGCTGCACTCACAATTTCATCCTGTGATACAAC[C>G]CGGCTGTTGTCTCCATAGGCAATATTCTCGGCAATGCTGCAGTCAAATAGGATAGGCTCC-3'
Protein context (NP_000434.1, residues 1127-1147): AENIAYGDNS[Arg1137=]VVSQDEIVSA

ClinVar aggregate classification (germline): Conflicting classifications of pathogenicity. Review status: criteria provided, conflicting classifications (1 of 4 stars). 3 submissions from 3 submitters: Uncertain significance (1); Likely benign (1). 1 of the submissions does not count toward it. Last evaluated 2025-12-19.

Conditions:
ABCB4-related disorder. Also called: ABCB4-related disorders; ABCB4-related condition.

Allele frequency attached by ClinVar (database versions not stated): ExAC 0.00003; gnomAD 0.00005 and 0.00006; gnomAD exomes 0.00006; TOPMed 0.00006.
gnomAD v4.1: 28 of 1,613,784 alleles (0.0017%); highest among the groups gnomAD compares: Admixed American, 0.035%; no homozygotes.

Submissions (3):

Labcorp Genetics (formerly Invitae), Labcorp
Classification: Likely benign. Last evaluated: 2025-12-19. Review status: criteria provided, single submitter. Criteria: Invitae Variant Classification Sherloc (09022015). Collection method: clinical testing. Allele origin: germline.

Eurofins Ntd Llc (ga)
Classification: Uncertain significance. Last evaluated: 2018-05-11. Review status: criteria provided, single submitter. Criteria: EGL ClinVar v180209 classification definitions. Collection method: clinical testing. Allele origin: germline. Observed: 1 variant allele, 1 heterozygote.

PreventionGenetics, part of Exact Sciences
Classification: Likely benign for ABCB4-related condition. Last evaluated: 2022-12-29. Review status: no assertion criteria provided. Collection method: clinical testing. Allele origin: germline. Not counted in ClinVar's aggregate classification.
Comment: This variant is classified as likely benign based on ACMG/AMP sequence variant interpretation guidelines (Richards et al. 2015 PMID: 25741868, with internal and published modifications).